The following is an entry in ClinVar:

NM_002691.4(POLD1):c.3317C>A (p.Ala1106Asp)

Gene: POLD1 (DNA polymerase delta 1, catalytic subunit; plus strand). Cytogenetic location: 19q13.33.
Variant type: single nucleotide variant.
Coding change: c.3317C>A on transcript NM_002691.4 (MANE Select); coding-DNA position 3317, C replaced by A.
Protein change: p.Ala1106Asp; replaces alanine 1106 with aspartic acid.
Molecular consequence: missense variant. On other transcripts: non-coding transcript variant (1).
Genome position (GRCh38, 1-based): chr19:50,417,940, C>A. VCF-style: chr19-50417940-C-A. GRCh37 (hg19) VCF-style: chr19-50921197-C-A.
Other names: c.3317C>A, p.Ala1106Asp (NM_001256849.1); c.3395C>A, p.Ala1132Asp (NM_001308632.1); short protein forms A1132D, A1106D.
Identifiers: ClinVar variation 855398 (VCV000855398.10), dbSNP rs1555793944, ClinGen allele CA406987900.

ClinVar aggregate classification (germline): Uncertain significance. Review status: criteria provided, multiple submitters, no conflicts (2 of 4 stars). 2 submissions from 2 submitters: Uncertain significance (2). Last evaluated 2022-06-13.

Conditions:
POLD1-related polyposis and colorectal cancer syndrome (CRCS10). Also called: Colorectal cancer 10; COLORECTAL CANCER, SUSCEPTIBILITY TO, ON CHROMOSOME 19q; Colorectal cancer, susceptibility to, 10. Identifiers: Orphanet 220460, MedGen C2675481, MONDO:0012953, OMIM 612591.
Hereditary cancer-predisposing syndrome. Also called: Tumor predisposition; Hereditary Cancer Syndrome; Hereditary neoplastic syndrome; Neoplastic Syndromes, Hereditary. Identifiers: Orphanet 140162, MedGen C0027672, MeSH D009386, MONDO:0015356.

Submissions (2):

Ambry Genetics
Classification: Uncertain significance for Hereditary cancer-predisposing syndrome. Last evaluated: 2022-06-13. Review status: criteria provided, single submitter. Criteria: Ambry Variant Classification Scheme 2023. Collection method: clinical testing. Allele origin: germline.
Comment: The p.A1106D variant (also known as c.3317C>A), located in coding exon 26 of the POLD1 gene, results from a C to A substitution at nucleotide position 3317. The alanine at codon 1106 is replaced by aspartic acid, an amino acid with dissimilar properties. This amino acid position is conserved. In addition, this alteration is predicted to be tolerated by in silico analysis. Since supporting evidence is limited at this time, the clinical significance of this alteration remains unclear.

Labcorp Genetics (formerly Invitae), Labcorp
Classification: Uncertain significance for POLD1-related polyposis and colorectal cancer syndrome. Last evaluated: 2022-01-01. Review status: criteria provided, single submitter. Criteria: Invitae Variant Classification Sherloc (09022015). Collection method: clinical testing. Allele origin: germline.
Comment: ClinVar contains an entry for this variant (Variation ID: 855398). This variant has not been reported in the literature in individuals affected with POLD1-related conditions. This variant is not present in population databases (gnomAD no frequency). This sequence change replaces alanine, which is neutral and non-polar, with aspartic acid, which is acidic and polar, at codon 1106 of the POLD1 protein (p.Ala1106Asp). Algorithms developed to predict the effect of missense changes on protein structure and function are either unavailable or do not agree on the potential impact of this missense change (SIFT: "Deleterious"; PolyPhen-2: "Benign"; Align-GVGD: "Class C0"). In summary, the available evidence is currently insufficient to determine the role of this variant in disease. Therefore, it has been classified as a Variant of Uncertain Significance.